The following is an entry in ClinVar:

ClinVar aggregate classification (germline): Uncertain significance. Review status: criteria provided, multiple submitters, no conflicts (2 of 4 stars). 3 submissions from 3 submitters: Uncertain significance (3). Last evaluated 2025-09-27.

Conditions:
Inborn genetic diseases. Identifiers: MedGen C0950123, MeSH D030342.

gnomAD v4.1: 3 of 1,501,878 alleles (0.0002%); highest among the groups gnomAD compares: South Asian, 0.0013%; no homozygotes.

Submissions (3):

Dasa
Classification: Uncertain significance. Last evaluated: 2025-09-27. Review status: criteria provided, single submitter. Criteria: DASA Assertion Criteria. Collection method: clinical testing. Allele origin: germline.
Comment: NM_001042681.2(RERE):c.4472G>A (p.Arg1491His) is a missense variant that results in the substitution of arginine with histidine. This variant is rare in population databases. The currently available literature and clinical evidence are not sufficient to establish a definitive association between this variant and the reported condition. Therefore, this variant is classified as a variant of uncertain significance.

Ambry Genetics
Classification: Uncertain significance for Inborn genetic diseases. Last evaluated: 2025-08-31. Review status: criteria provided, single submitter. Criteria: Ambry Variant Classification Scheme 2023. Collection method: clinical testing. Allele origin: germline.

Labcorp Genetics (formerly Invitae), Labcorp
Classification: Uncertain significance. Last evaluated: 2024-10-23. Review status: criteria provided, single submitter. Criteria: Invitae Variant Classification Sherloc (09022015). Collection method: clinical testing. Allele origin: germline.
Comment: This sequence change replaces arginine, which is basic and polar, with histidine, which is basic and polar, at codon 1491 of the RERE protein (p.Arg1491His). This variant is not present in population databases (gnomAD no frequency). This variant has not been reported in the literature in individuals affected with RERE-related conditions. Invitae Evidence Modeling of protein sequence and biophysical properties (such as structural, functional, and spatial information, amino acid conservation, physicochemical variation, residue mobility, and thermodynamic stability) has been performed for this missense variant. However, the output from this modeling did not meet the statistical confidence thresholds required to predict the impact of this variant on RERE protein function. In summary, the available evidence is currently insufficient to determine the role of this variant in disease. Therefore, it has been classified as a Variant of Uncertain Significance.

NM_001042681.2(RERE):c.4472G>A (p.Arg1491His)

Gene: RERE (arginine-glutamic acid dipeptide repeats; minus strand). Cytogenetic location: 1p36.23.
Variant type: single nucleotide variant.
Coding change: c.4472G>A on transcript NM_001042681.2 (MANE Select); coding-DNA position 4472, G replaced by A.
Protein change: p.Arg1491His; replaces arginine 1491 with histidine.
Molecular consequence: missense variant.
Genome position (GRCh38, 1-based): chr1:8,356,114, C>T on the plus strand (G>A on the coding strand, the complement: RERE is on the minus strand). VCF-style: chr1-8356114-C-T. GRCh37 (hg19) VCF-style: chr1-8416174-C-T.
Other names: c.4472G>A (NM_012102.3); c.2810G>A, p.Arg937His (NM_001042682.2); c.4472G>A, p.Arg1491His (NM_012102.4); short protein forms R1491H, R937H.
Identifiers: ClinVar variation 3613874 (VCV003613874.5).